The following is an entry in ClinVar:

NM_001161352.2(KCNMA1):c.378+846G>C

Gene: KCNMA1 (potassium calcium-activated channel subfamily M alpha 1; minus strand). Cytogenetic location: 10q22.3.
Variant type: single nucleotide variant.
Coding change: c.378+846G>C on transcript NM_001161352.2 (MANE Select); 846 bases into the intron after coding-DNA position 378, G replaced by C.
Molecular consequence: intron variant. On other transcripts: 3 prime UTR variant (2), missense variant (2).
Genome position (GRCh38, 1-based): chr10:77,636,419, C>G on the plus strand (G>C on the coding strand, the complement: KCNMA1 is on the minus strand). VCF-style: chr10-77636419-C-G. GRCh37 (hg19) VCF-style: chr10-79396177-C-G.
Other names: c.*324G>C (NM_001271520.2); c.*142G>C (NM_001271521.2); c.475G>C, p.Ala159Pro (NM_001271522.2); c.642G>C, p.Trp214Cys (NM_001322839.2); c.378+846G>C (NM_001271518.2, NM_001322832.2, NM_001410940.1 and 9 more transcripts); short protein forms A159P, W214C.
Identifiers: ClinVar variation 3366219 (VCV003366219.1).

ClinVar aggregate classification (germline): Uncertain significance (1 of 4 stars; one submission).

Submission:

GeneDx
Classification: Uncertain significance. Last evaluated: 2023-10-17. Review status: criteria provided, single submitter. Criteria: GeneDx Variant Classification Process June 2021. Collection method: clinical testing. Allele origin: germline. Affected: yes.
Comment: Not observed at significant frequency in large population cohorts (gnomAD); In silico analysis supports that this variant does not alter splicing; Has not been previously published as pathogenic or benign to our knowledge; Reported using an alternate transcript of the gene